The following is an entry in ClinVar:

ClinVar aggregate classification (germline): Uncertain significance (1 of 4 stars; one submission).

Conditions:
Aortic aneurysm, familial thoracic 6 (AAT6). Also called: FAMILIAL THORACIC AORTIC ANEURYSM WITH LIVEDO RETICULARIS AND IRIS FLOCCULI. Identifiers: MedGen C2673186, MONDO:0012730, OMIM 611788.

Submission:

Labcorp Genetics (formerly Invitae), Labcorp
Classification: Uncertain significance for Aortic aneurysm, familial thoracic 6. Last evaluated: 2020-09-24. Review status: criteria provided, single submitter. Criteria: Invitae Variant Classification Sherloc (09022015). Collection method: clinical testing. Allele origin: germline.
Comment: In summary, this variant is a novel missense change with uncertain impact on protein function. It has been classified as a Variant of Uncertain Significance. This sequence change replaces glycine with arginine at codon 25 of the ACTA2 protein (p.Gly25Arg). The glycine residue is highly conserved and there is a moderate physicochemical difference between glycine and arginine. This variant is not present in population databases (ExAC no frequency) and has not been reported in the literature in individuals with a ACTA2-related disease. Algorithms developed to predict the effect of missense changes on protein structure and function do not agree on the potential impact of this missense change (SIFT: "Deleterious"; PolyPhen-2: "Benign"; Align-GVGD: "Class C65"). Algorithms developed to predict the effect of sequence changes on RNA splicing suggest that this variant may alter RNA splicing, but this prediction has not been confirmed by published transcriptional studies.

NM_001613.4(ACTA2):c.73G>A (p.Gly25Arg)

Gene: ACTA2 (actin alpha 2, smooth muscle; minus strand). Cytogenetic location: 10q23.31.
Variant type: single nucleotide variant.
Coding change: c.73G>A on transcript NM_001613.4 (MANE Select); coding-DNA position 73, G replaced by A.
Protein change: p.Gly25Arg; replaces glycine 25 with arginine.
Molecular consequence: missense variant.
Genome position (GRCh38, 1-based): chr10:88,948,858, C>T on the plus strand (G>A on the coding strand, the complement: ACTA2 is on the minus strand). VCF-style: chr10-88948858-C-T. GRCh37 (hg19) VCF-style: chr10-90708615-C-T.
Other names: c.73G>A, p.Gly25Arg (NM_001141945.3, NM_001320855.2, NM_001406462.1 and 7 more transcripts); short protein forms G25R.
Identifiers: ClinVar variation 469086 (VCV000469086.10), dbSNP rs1554841985, ClinGen allele CA377513698.
Genomic context (GRCh38, chr10:88,948,858, plus strand): 5'-TCACCTGATGTCTGGGACGTCCCACAATGGATGGGAAAACAGCCCTGGGAGCATCGTCCC[C>T]AGCAAAGCCGGCCTTACAGAGCCCAGAGCCATTGTCACACACCAAGGCAGTGCTGTCCTC-3'
Protein context (NP_001604.1, residues 15-35): GSGLCKAGFA[Gly25Arg]DDAPRAVFPS